The following is an entry in ClinVar:

NM_003183.6(ADAM17):c.1312A>G (p.Ile438Val)

Genes: ADAM17 (ADAM metallopeptidase domain 17; minus strand), IAH1 (isoamyl acetate hydrolyzing esterase 1 (putative); plus strand). Cytogenetic location: 2p25.1.
Variant type: single nucleotide variant.
Coding change: c.1312A>G on transcript NM_003183.6 (MANE Select); coding-DNA position 1312, A replaced by G.
Protein change: p.Ile438Val; replaces isoleucine 438 with valine.
Molecular consequence: missense variant.
Genome position (GRCh38, 1-based): chr2:9,510,011, T>C on the plus strand (A>G on the coding strand, the complement: ADAM17 is on the minus strand). VCF-style: chr2-9510011-T-C. GRCh37 (hg19) VCF-style: chr2-9650140-T-C.
Other names: c.652A>G, p.Ile218Val (NM_001382777.1); c.415A>G, p.Ile139Val (NM_001382778.1); short protein forms I218V, I438V, I139V.
Identifiers: ClinVar variation 1403420 (VCV001403420.6), dbSNP rs776562188, ClinGen allele CA1523535.
Genomic context (GRCh38, chr2:9,510,011, plus strand): 5'-ACATAAAAAATTCTCGACACACACATACCTTATTGTTCTCGTGATCGCCACTCACAGCTA[T>C]GGGATACATGACATATTTCCCTCCCTGGTCCTCATTCGGGGCACATTCTGCTAGACCATC-3'
Protein context (NP_003174.3, residues 428-448): DQGGKYVMYP[Ile438Val]AVSGDHENNK

ClinVar aggregate classification (germline): Uncertain significance (1 of 4 stars; one submission).

Conditions:
Inflammatory skin and bowel disease, neonatal, 1. Identifiers: Orphanet 294023, MedGen C3280501, MONDO:0013693, OMIM 614328.

Allele frequency attached by ClinVar (database versions not stated): ExAC 0.00001; gnomAD 0.00001; gnomAD exomes 0.00001 and 0.00004; TOPMed 0.00002.

Submission:

Labcorp Genetics (formerly Invitae), Labcorp
Classification: Uncertain significance for Inflammatory skin and bowel disease, neonatal, 1. Last evaluated: 2022-08-31. Review status: criteria provided, single submitter. Criteria: Invitae Variant Classification Sherloc (09022015). Collection method: clinical testing. Allele origin: germline.
Comment: In summary, the available evidence is currently insufficient to determine the role of this variant in disease. Therefore, it has been classified as a Variant of Uncertain Significance. Algorithms developed to predict the effect of missense changes on protein structure and function are either unavailable or do not agree on the potential impact of this missense change (SIFT: "Not Available"; PolyPhen-2: "Benign"; Align-GVGD: "Not Available"). ClinVar contains an entry for this variant (Variation ID: 1403420). This variant has not been reported in the literature in individuals affected with ADAM17-related conditions. This variant is present in population databases (rs776562188, gnomAD 0.002%). This sequence change replaces isoleucine, which is neutral and non-polar, with valine, which is neutral and non-polar, at codon 438 of the ADAM17 protein (p.Ile438Val).